The following is an entry in ClinVar:

NM_000095.3(COMP):c.643G>C (p.Gly215Arg)

Gene: COMP (cartilage oligomeric matrix protein; minus strand). Cytogenetic location: 19p13.11.
Variant type: single nucleotide variant.
Coding change: c.643G>C on transcript NM_000095.3 (MANE Select); coding-DNA position 643, G replaced by C.
Protein change: p.Gly215Arg; replaces glycine 215 with arginine.
Molecular consequence: missense variant.
Genome position (GRCh38, 1-based): chr19:18,788,711, C>G on the plus strand (G>C on the coding strand, the complement: COMP is on the minus strand). VCF-style: chr19-18788711-C-G. GRCh37 (hg19) VCF-style: chr19-18899520-C-G.
Other names: short protein forms G215R.
Identifiers: ClinVar variation 890213 (VCV000890213.11), dbSNP rs768437153, ClinGen allele CA9316654.
Genomic context (GRCh38, chr19:18,788,711, plus strand): 5'-TGGGCGAGCCGTCGGGGCAGAAGCGCTGTGCGCGCCGCTGGCAGCCGGACGCCTGGTCGC[C>G]CACGAAGCCGGGCTGGCACGGGCCGCACTGGAAGGAGCCCTGCGCCGGAGCCGCCGGAGG-3'
Protein context (NP_000086.2, residues 205-225): QCGPCQPGFV[Gly215Arg]DQASGCQRRA

ClinVar aggregate classification (germline): Uncertain significance. Review status: criteria provided, multiple submitters, no conflicts (2 of 4 stars). 5 submissions from 4 submitters: Uncertain significance (5). Last evaluated 2025-11-15.

Conditions:
Inborn genetic diseases. Identifiers: MedGen C0950123, MeSH D030342.
Multiple epiphyseal dysplasia type 1. Also called: COMP-Related Multiple Epiphyseal Dysplasia. Identifiers: Orphanet 93308, MedGen C1838280, MONDO:0007561, OMIM 132400.
Pseudoachondroplastic spondyloepiphyseal dysplasia syndrome (PSACH). Also called: PSEUDOACHONDROPLASTIC DYSPLASIA; Pseudoachondroplasia; COMP-Related Pseudoachondroplasia. Identifiers: Orphanet 750, MedGen C0410538, MONDO:0008322, OMIM 177170.

Allele frequency attached by ClinVar (database versions not stated): ExAC below 0.00001; gnomAD 0.00003; gnomAD exomes 0.00004; TOPMed 0.00004.
gnomAD v4.1: 60 of 1,542,008 alleles (0.0039%); highest among the groups gnomAD compares: Admixed American, 0.0079%; no homozygotes.

Submissions (5):

Labcorp Genetics (formerly Invitae), Labcorp
Classification: Uncertain significance. Last evaluated: 2025-11-15. Review status: criteria provided, single submitter. Criteria: Invitae Variant Classification Sherloc (09022015). Collection method: clinical testing. Allele origin: germline.
Comment: This sequence change replaces glycine, which is neutral and non-polar, with arginine, which is basic and polar, at codon 215 of the COMP protein (p.Gly215Arg). This variant is present in population databases (rs768437153, gnomAD 0.009%). This variant has not been reported in the literature in individuals affected with COMP-related conditions. ClinVar contains an entry for this variant (Variation ID: 890213). Invitae Evidence Modeling of protein sequence and biophysical properties (such as structural, functional, and spatial information, amino acid conservation, physicochemical variation, residue mobility, and thermodynamic stability) indicates that this missense variant is expected to disrupt COMP protein function with a positive predictive value of 80%. In summary, the available evidence is currently insufficient to determine the role of this variant in disease. Therefore, it has been classified as a Variant of Uncertain Significance.

GeneDx
Classification: Uncertain significance. Last evaluated: 2025-01-13. Review status: criteria provided, single submitter. Criteria: GeneDx Variant Classification Process June 2021. Collection method: clinical testing. Allele origin: germline. Affected: yes.
Comment: In silico analysis supports that this missense variant has a deleterious effect on protein structure/function; Has not been previously published as pathogenic or benign to our knowledge

Ambry Genetics
Classification: Uncertain significance for Inborn genetic diseases. Last evaluated: 2023-11-07. Review status: criteria provided, single submitter. Criteria: Ambry Variant Classification Scheme 2023. Collection method: clinical testing. Allele origin: germline.

Illumina Laboratory Services, Illumina
Classification: Uncertain significance for Pseudoachondroplastic spondyloepiphyseal dysplasia syndrome. Last evaluated: 2018-01-13. Review status: criteria provided, single submitter. Criteria: ICSL Variant Classification Criteria 13 December 2019. Collection method: clinical testing. Allele origin: germline.

Illumina Laboratory Services, Illumina
Classification: Uncertain significance for Multiple epiphyseal dysplasia type 1. Last evaluated: 2018-01-13. Review status: criteria provided, single submitter. Criteria: ICSL Variant Classification Criteria 13 December 2019. Collection method: clinical testing. Allele origin: germline.